The following is an entry in ClinVar:

ClinVar aggregate classification (germline): Pathogenic (1 of 4 stars; one submission).

Submission:

Labcorp Genetics (formerly Invitae), Labcorp
Classification: Pathogenic. Last evaluated: 2023-03-06. Review status: criteria provided, single submitter. Criteria: Invitae Variant Classification Sherloc (09022015). Collection method: clinical testing. Allele origin: unknown.
Comment: For these reasons, this variant has been classified as Pathogenic. This variant has not been reported in the literature in individuals affected with ADGRV1-related conditions. This variant is a gross deletion of the genomic region encompassing exon(s) 83-85 of the ADGRV1 gene. This deletion is out-of-frame, and is expected to create a premature termination codon and result in an absent or disrupted protein product. Loss-of-function variants in ADGRV1 are known to be pathogenic (PMID: 19357117, 22135276, 22147658, 26226137, 30718709, 31047384, 32467589).

Literature cited by the submitters: PubMed 19357117; PubMed 22135276; PubMed 22147658; PubMed 26226137; PubMed 30718709; PubMed 31047384; PubMed 32467589.

NC_000005.9:g.(?_90159554)_(90281359_?)del

Gene: ADGRV1 (adhesion G protein-coupled receptor V1; plus strand). Cytogenetic location: 5q14.3.
Variant type: Deletion.
Identifiers: ClinVar variation 3246550 (VCV003246550.1).